The following is an entry in ClinVar:

ClinVar aggregate classification (germline): Uncertain significance (1 of 4 stars; one submission).

Submission:

Ambry Genetics
Classification: Uncertain significance. Last evaluated: 2024-06-13. Review status: criteria provided, single submitter. Criteria: Ambry Variant Classification Scheme 2023. Collection method: clinical testing. Allele origin: germline.
Comment: The p.G223A variant (also known as c.668G>C), located in coding exon 1 of the TERF2IP gene, results from a G to C substitution at nucleotide position 668. The glycine at codon 223 is replaced by alanine, an amino acid with similar properties. This amino acid position is conserved. In addition, this alteration is predicted to be tolerated by in silico analysis. Based on the available evidence, the clinical significance of this variant remains unclear.

NM_018975.4(TERF2IP):c.668G>C (p.Gly223Ala)

Gene: TERF2IP (TERF2 interacting protein; plus strand). Cytogenetic location: 16q23.1.
Variant type: single nucleotide variant.
Coding change: c.668G>C on transcript NM_018975.4 (MANE Select); coding-DNA position 668, G replaced by C.
Protein change: p.Gly223Ala; replaces glycine 223 with alanine.
Molecular consequence: missense variant. On other transcripts: non-coding transcript variant (1).
Genome position (GRCh38, 1-based): chr16:75,648,550, G>C. VCF-style: chr16-75648550-G-C. GRCh37 (hg19) VCF-style: chr16-75682448-G-C.
Other names: short protein forms G223A.
Identifiers: ClinVar variation 3325435 (VCV003325435.1).
Genomic context (GRCh38, chr16:75,648,550, plus strand): 5'-GCCCCTCCTCCCAGAAGCTCAAGCGGAAGGCGGAGGAGGACCCGGAGGCCGCGGATAGCG[G>C]GGGTGAGGAGGCTGAGCGCGGGGCCTCGCGGATATCTGCGCGGGTGGGGTTGGGATCTTT-3'
Protein context (NP_061848.2, residues 213-233): AEEDPEAADS[Gly223Ala]EPQNKRTPDL